The following is an entry in ClinVar:

NM_000069.3(CACNA1S):c.3700T>A (p.Phe1234Ile)

Gene: CACNA1S (calcium voltage-gated channel subunit alpha1 S; minus strand). Cytogenetic location: 1q32.1.
Variant type: single nucleotide variant.
Coding change: c.3700T>A on transcript NM_000069.3 (MANE Select); coding-DNA position 3700, T replaced by A.
Protein change: p.Phe1234Ile; replaces phenylalanine 1234 with isoleucine.
Molecular consequence: missense variant.
Genome position (GRCh38, 1-based): chr1:201,053,554, A>T on the plus strand (T>A on the coding strand, the complement: CACNA1S is on the minus strand). VCF-style: chr1-201053554-A-T. GRCh37 (hg19) VCF-style: chr1-201022682-A-T.
Other names: c.3700T>A (NM_000069.2); short protein forms F1234I.
Identifiers: ClinVar variation 1418447 (VCV001418447.7), dbSNP rs1660733125, ClinGen allele CA344154892.

ClinVar aggregate classification (germline): Uncertain significance. Review status: criteria provided, multiple submitters, no conflicts (2 of 4 stars). 2 submissions from 2 submitters: Uncertain significance (2). Last evaluated 2025-09-05.

Conditions:
Hypokalemic periodic paralysis, type 1. Also called: Hypokalemic Periodic Paralysis Type 1 (AD); HypoPP. Identifiers: Orphanet 681, MedGen C3714580, MONDO:0042979, OMIM 170400.
Malignant hyperthermia, susceptibility to, 5 (MHS5). Also called: CACNA1S-Related Malignant Hyperthermia Susceptibility. Identifiers: Orphanet 423, MedGen C1866077, MONDO:0011163, OMIM 601887.
Inborn genetic diseases. Identifiers: MedGen C0950123, MeSH D030342.

gnomAD v4.1: 1 of 1,613,072 alleles (0.000062%); no homozygotes.

Submissions (2):

Ambry Genetics
Classification: Uncertain significance for Inborn genetic diseases. Last evaluated: 2025-09-05. Review status: criteria provided, single submitter. Criteria: Ambry Variant Classification Scheme 2023. Collection method: clinical testing. Allele origin: germline.

Labcorp Genetics (formerly Invitae), Labcorp
Classification: Uncertain significance for Hypokalemic periodic paralysis, type 1; Malignant hyperthermia, susceptibility to, 5. Last evaluated: 2021-08-14. Review status: criteria provided, single submitter. Criteria: Invitae Variant Classification Sherloc (09022015). Collection method: clinical testing. Allele origin: germline.
Comment: This sequence change replaces phenylalanine with isoleucine at codon 1234 of the CACNA1S protein (p.Phe1234Ile). The phenylalanine residue is highly conserved and there is a small physicochemical difference between phenylalanine and isoleucine. This variant is not present in population databases (ExAC no frequency). This variant has not been reported in the literature in individuals affected with CACNA1S-related conditions. Algorithms developed to predict the effect of missense changes on protein structure and function are either unavailable or do not agree on the potential impact of this missense change (SIFT: "Deleterious"; PolyPhen-2: "Possibly Damaging"; Align-GVGD: "Class C15"). In summary, the available evidence is currently insufficient to determine the role of this variant in disease. Therefore, it has been classified as a Variant of Uncertain Significance.